The following is an entry in ClinVar:

NM_130810.4(DNAAF4):c.432A>G (p.Ile144Met)

Genes: DNAAF4 (dynein axonemal assembly factor 4; minus strand), DNAAF4-CCPG1 (DNAAF4-CCPG1 readthrough (NMD candidate); minus strand). Cytogenetic location: 15q21.3.
Variant type: single nucleotide variant.
Coding change: c.432A>G on transcript NM_130810.4 (MANE Select); coding-DNA position 432, A replaced by G.
Protein change: p.Ile144Met; replaces isoleucine 144 with methionine.
Molecular consequence: missense variant. On other transcripts: non-coding transcript variant (1).
Genome position (GRCh38, 1-based): chr15:55,467,135, T>C on the plus strand (A>G on the coding strand, the complement: DNAAF4 is on the minus strand). VCF-style: chr15-55467135-T-C. GRCh37 (hg19) VCF-style: chr15-55759333-T-C.
Other names: c.432A>G, p.Ile144Met (NM_001033559.3, NM_001033560.2); short protein forms I144M.
Identifiers: ClinVar variation 1384050 (VCV001384050.6), dbSNP rs927539060, ClinGen allele CA270807861.
Genomic context (GRCh38, chr15:55,467,135, plus strand): 5'-TTCTTTCCAGGCTTCCAATGCTTTAGTGGCTTTTATCCGTTCATTTTCTTTCATATCTTC[T>C]ATTTTTTTCCTCTCTTCTTCTTCAATCTATAACAATTGCAATTACCAAATTCTTTAAAAT-3'
Protein context (NP_570722.2, residues 134-154): MKIEEEERKK[Ile144Met]EDMKENERIK

ClinVar aggregate classification (germline): Uncertain significance (1 of 4 stars; one submission).

Allele frequency attached by ClinVar (database versions not stated): gnomAD 0.00002; TOPMed 0.00002.

Submission:

Labcorp Genetics (formerly Invitae), Labcorp
Classification: Uncertain significance. Last evaluated: 2021-10-15. Review status: criteria provided, single submitter. Criteria: Invitae Variant Classification Sherloc (09022015). Collection method: clinical testing. Allele origin: germline.
Comment: In summary, the available evidence is currently insufficient to determine the role of this variant in disease. Therefore, it has been classified as a Variant of Uncertain Significance. Algorithms developed to predict the effect of missense changes on protein structure and function are either unavailable or do not agree on the potential impact of this missense change (SIFT: "Deleterious"; PolyPhen-2: "Probably Damaging"; Align-GVGD: "Class C0"). This variant has not been reported in the literature in individuals affected with DNAAF4-related conditions. This variant is not present in population databases (ExAC no frequency). This sequence change replaces isoleucine with methionine at codon 144 of the DNAAF4 protein (p.Ile144Met). The isoleucine residue is highly conserved and there is a small physicochemical difference between isoleucine and methionine.